The following is an entry in ClinVar:

ClinVar aggregate classification (germline): Uncertain significance (1 of 4 stars; one submission).

Allele frequency attached by ClinVar (database versions not stated): gnomAD exomes below 0.00001.

Submission:

Labcorp Genetics (formerly Invitae), Labcorp
Classification: Uncertain significance. Last evaluated: 2025-07-29. Review status: criteria provided, single submitter. Criteria: Invitae Variant Classification Sherloc (09022015). Collection method: clinical testing. Allele origin: germline.
Comment: This sequence change replaces serine, which is neutral and polar, with phenylalanine, which is neutral and non-polar, at codon 323 of the C3 protein (p.Ser323Phe). This variant is present in population databases (no rsID available, gnomAD 0.0009%). This variant has not been reported in the literature in individuals affected with C3-related conditions. ClinVar contains an entry for this variant (Variation ID: 1936194). Invitae Evidence Modeling of protein sequence and biophysical properties (such as structural, functional, and spatial information, amino acid conservation, physicochemical variation, residue mobility, and thermodynamic stability) indicates that this missense variant is not expected to disrupt C3 protein function with a negative predictive value of 80%. In summary, the available evidence is currently insufficient to determine the role of this variant in disease. Therefore, it has been classified as a Variant of Uncertain Significance.

NM_000064.4(C3):c.968C>T (p.Ser323Phe)

Gene: C3 (complement C3; minus strand). Cytogenetic location: 19p13.3.
Variant type: single nucleotide variant.
Coding change: c.968C>T on transcript NM_000064.4 (MANE Select); coding-DNA position 968, C replaced by T.
Protein change: p.Ser323Phe; replaces serine 323 with phenylalanine.
Molecular consequence: missense variant.
Genome position (GRCh38, 1-based): chr19:6,713,224, G>A on the plus strand (C>T on the coding strand, the complement: C3 is on the minus strand). VCF-style: chr19-6713224-G-A. GRCh37 (hg19) VCF-style: chr19-6713235-G-A.
Other names: short protein forms S323F.
Identifiers: ClinVar variation 1936194 (VCV001936194.5), dbSNP rs1272581521, ClinGen allele CA403642114.